The following is an entry in ClinVar:

NM_004006.3(DMD):c.8548-3C>T

Gene: DMD (dystrophin; minus strand). Cytogenetic location: Xp21.2.
Variant type: single nucleotide variant.
Coding change: c.8548-3C>T on transcript NM_004006.3 (MANE Select); 3 bases into the intron before coding-DNA position 8548, C replaced by T.
Molecular consequence: intron variant.
Genome position (GRCh38, 1-based): chrX:31,479,106, G>A on the plus strand (C>T on the coding strand, the complement: DMD is on the minus strand). VCF-style: chrX-31479106-G-A. GRCh37 (hg19) VCF-style: chrX-31497223-G-A.
Other names: c.8524-3C>T (NM_000109.4); c.4525-3C>T (NM_004011.4); c.4516-3C>T (NM_004012.4); c.1168-3C>T (NM_004023.3, NM_004020.4, NM_004022.3 and 2 more transcripts); c.361-3C>T (NM_004014.3); c.8536-3C>T (NM_004009.3); c.8179-3C>T (NM_004010.3); c.8548-3C>T (NM_004006.2).
Identifiers: ClinVar variation 2139525 (VCV002139525.2), dbSNP rs767216828, ClinGen allele CA10378039.

ClinVar aggregate classification (germline): Uncertain significance. Review status: criteria provided, multiple submitters, no conflicts (2 of 4 stars). 2 submissions from 2 submitters: Uncertain significance (2). Last evaluated 2025-01-13.

Conditions:
Cardiovascular phenotype. Identifiers: MedGen CN230736.
Duchenne muscular dystrophy (DMD). Also called: MUSCULAR DYSTROPHY, PSEUDOHYPERTROPHIC PROGRESSIVE, DUCHENNE TYPE; Duchenne Muscular Dystrophy (DMD). Identifiers: Orphanet 98896, MedGen C0013264, MONDO:0010679, OMIM 310200.

Allele frequency attached by ClinVar (database versions not stated): gnomAD exomes below 0.00001; ExAC 0.00002.
gnomAD v4.1: 5 of 1,210,693 alleles (0.00041%); highest among the groups gnomAD compares: Non-Finnish European, 0.00056%; no homozygotes.

Submissions (2):

Ambry Genetics
Classification: Uncertain significance for Cardiovascular phenotype. Last evaluated: 2025-01-13. Review status: criteria provided, single submitter. Criteria: Ambry Variant Classification Scheme 2023. Collection method: clinical testing. Allele origin: germline.
Comment: The c.8548-3C>T intronic variant results from a C to T substitution 3 nucleotides upstream from coding exon 58 in the DMD gene. This nucleotide position is well conserved in available vertebrate species. In silico splice site analysis predicts that this alteration will not have any significant effect on splicing. Based on data from gnomAD, the T allele has an overall frequency of <0.01% (1/182730) total alleles studied, with 0 hemizygote(s) observed. The highest observed frequency was <0.01% (1/81510) of European (non-Finnish) alleles. Based on the available evidence, the clinical significance of this variant remains unclear.

Labcorp Genetics (formerly Invitae), Labcorp
Classification: Uncertain significance for Duchenne muscular dystrophy. Last evaluated: 2022-04-23. Review status: criteria provided, single submitter. Criteria: Invitae Variant Classification Sherloc (09022015). Collection method: clinical testing. Allele origin: germline.
Comment: This sequence change falls in intron 57 of the DMD gene. It does not directly change the encoded amino acid sequence of the DMD protein. It affects a nucleotide within the consensus splice site. This variant is present in population databases (rs767216828, gnomAD 0.001%). This variant has not been reported in the literature in individuals affected with DMD-related conditions. Variants that disrupt the consensus splice site are a relatively common cause of aberrant splicing (PMID: 17576681, 9536098). Algorithms developed to predict the effect of sequence changes on RNA splicing suggest that this variant is not likely to affect RNA splicing. In summary, the available evidence is currently insufficient to determine the role of this variant in disease. Therefore, it has been classified as a Variant of Uncertain Significance.

Literature cited by the submitters: PubMed 17576681 (cited by Labcorp Genetics (formerly Invitae), Labcorp); PubMed 9536098 (cited by Labcorp Genetics (formerly Invitae), Labcorp).